The following is an entry in ClinVar:

NM_013352.4(DSE):c.1635T>C (p.Tyr545=)

Gene: DSE (dermatan sulfate epimerase; plus strand). Cytogenetic location: 6q22.1.
Variant type: single nucleotide variant.
Coding change: c.1635T>C on transcript NM_013352.4 (MANE Select); coding-DNA position 1635, T replaced by C.
Protein change: p.Tyr545=; no amino-acid change (tyrosine 545 retained).
Molecular consequence: synonymous variant. On other transcripts: 3 prime UTR variant (2), non-coding transcript variant (1).
Genome position (GRCh38, 1-based): chr6:116,436,103, T>C. VCF-style: chr6-116436103-T-C. GRCh37 (hg19) VCF-style: chr6-116757266-T-C.
Other names: c.1635T>C (NM_013352.3); c.1635T>C, p.Tyr545= (NM_001080976.3, NM_001322937.2, NM_001322938.2); c.1692T>C, p.Tyr564= (NM_001322939.2); c.1074T>C, p.Tyr358= (NM_001322940.2, NM_001322941.2); c.*500T>C (NM_001322943.2, NM_001322944.2); c.636T>C, p.Tyr212= (NM_001374520.1); c.600T>C, p.Tyr200= (NM_001374521.1).
Identifiers: ClinVar variation 1908281 (VCV001908281.8), dbSNP rs139270200, ClinGen allele CA3969686.

ClinVar aggregate classification (germline): Likely benign. Review status: criteria provided, multiple submitters, no conflicts (2 of 4 stars). 3 submissions from 3 submitters: Likely benign (2). 1 of the submissions does not count toward it. Last evaluated 2025-10-09.

Conditions:
DSE-related disorder. Also called: DSE-related condition.
Ehlers-Danlos syndrome, musculocontractural type 2 (EDSMC2). Identifiers: Orphanet 2953, MedGen C3809845, MONDO:0014236, OMIM 615539.

Allele frequency attached by ClinVar (database versions not stated): gnomAD 0.00001; TOPMed 0.00001; ExAC 0.00002; gnomAD exomes 0.00004; ESP Exome Variant Server 0.00008.
gnomAD v4.1: 52 of 1,612,934 alleles (0.0032%); highest among the groups gnomAD compares: Non-Finnish European, 0.0044%; no homozygotes.

Submissions (3):

Labcorp Genetics (formerly Invitae), Labcorp
Classification: Likely benign for Ehlers-Danlos syndrome, musculocontractural type 2. Last evaluated: 2025-10-09. Review status: criteria provided, single submitter. Criteria: Invitae Variant Classification Sherloc (09022015). Collection method: clinical testing. Allele origin: germline.

Women's Health and Genetics/Laboratory Corporation of America, LabCorp
Classification: Likely benign. Last evaluated: 2025-05-13. Review status: criteria provided, single submitter. Criteria: LabCorp Variant Classification Summary - May 2015. Collection method: clinical testing. Allele origin: germline.

PreventionGenetics, part of Exact Sciences
Classification: Likely benign for DSE-related condition. Last evaluated: 2020-02-24. Review status: no assertion criteria provided. Collection method: clinical testing. Allele origin: germline. Not counted in ClinVar's aggregate classification.
Comment: This variant is classified as likely benign based on ACMG/AMP sequence variant interpretation guidelines (Richards et al. 2015 PMID: 25741868, with internal and published modifications).